The following is an entry in ClinVar:

NM_000163.5(GHR):c.1641_1645del (p.Pro548fs)

Gene: GHR (growth hormone receptor; plus strand). Cytogenetic location: 5p12.
Variant type: Deletion.
Coding change: c.1641_1645del on transcript NM_000163.5 (MANE Select); coding-DNA positions 1641 to 1645, 5 bases deleted (TCCTC; older notation c.1641_1645delTCCTC).
Protein change: p.Pro548fs; shifts the reading frame from proline 548.
Molecular consequence: frameshift variant. On other transcripts: 3 prime UTR variant (1).
Genome position (GRCh38, 1-based): chr5:42,719,148-42,719,152, TCCTC deleted; deleting any 5 consecutive bases within chr5:42,719,147-42,719,152 gives the same sequence; the c. name uses the placement nearest the transcript's 3' end. VCF-style (leftmost placement, unchanged base first): chr5-42719146-GCTCCT-G. GRCh37 (hg19) VCF-style: chr5-42719248-GCTCCT-G.
Other names: c.1662_1666del, p.Pro555fs (NM_001242399.2); c.1641_1645del, p.Pro548fs (NM_001242400.2, NM_001242401.4, NM_001242402.2 and 4 more transcripts); c.1575_1579del, p.Pro526fs (NM_001242460.2); c.*683_*687del (NM_001242462.1); short protein forms P555fs, P548fs, P526fs.
Identifiers: ClinVar variation 4730714 (VCV004730714.1).
Genomic context (GRCh38, chr5:42,719,146, plus strand): 5'-AACTTCCTTATGGACAATGCCTACTTCTGTGAGGCAGATGCCAAAAAGTGCATCCCTGTG[GCTCCT>G]CACATCAAGGTTGAATCACACATACAGCCAAGCTTAAACCAAGAGGACATTTACATCACC-3'

ClinVar aggregate classification (germline): Pathogenic (1 of 4 stars; one submission).

Submission:

Labcorp Genetics (formerly Invitae), Labcorp
Classification: Pathogenic. Last evaluated: 2025-11-12. Review status: criteria provided, single submitter. Criteria: Invitae Variant Classification Sherloc (09022015). Collection method: clinical testing. Allele origin: germline.
Comment: This sequence change creates a premature translational stop signal (p.Pro548Hisfs*4) in the GHR gene. While this is not anticipated to result in nonsense mediated decay, it is expected to disrupt the last 91 amino acid(s) of the GHR protein. This variant is not present in population databases (gnomAD no frequency). This variant has not been reported in the literature in individuals affected with GHR-related conditions. This variant disrupts a region of the GHR protein in which other variant(s) (p.Arg578Serfs*23) have been determined to be pathogenic (PMID: 15536163). This suggests that this is a clinically significant region of the protein, and that variants that disrupt it are likely to be disease-causing. For these reasons, this variant has been classified as Pathogenic.

Literature cited by the submitters: PubMed 15536163.